The following is an entry in ClinVar:

NM_005506.4(SCARB2):c.365A>T (p.Asp122Val)

Gene: SCARB2 (scavenger receptor class B member 2; minus strand). Cytogenetic location: 4q21.1.
Variant type: single nucleotide variant.
Coding change: c.365A>T on transcript NM_005506.4 (MANE Select); coding-DNA position 365, A replaced by T.
Protein change: p.Asp122Val; replaces aspartic acid 122 with valine.
Molecular consequence: missense variant. On other transcripts: intron variant (1).
Genome position (GRCh38, 1-based): chr4:76,181,012, T>A on the plus strand (A>T on the coding strand, the complement: SCARB2 is on the minus strand). VCF-style: chr4-76181012-T-A. GRCh37 (hg19) VCF-style: chr4-77102165-T-A.
Other names: c.276-5102A>T (NM_001204255.2); short protein forms D122V.
Identifiers: ClinVar variation 1899380 (VCV001899380.5), dbSNP rs199619067, ClinGen allele CA2970352.

ClinVar aggregate classification (germline): Uncertain significance (1 of 4 stars; one submission).

Conditions:
Progressive myoclonic epilepsy. Also called: Familial progressive myoclonic epilepsy; Myoclonic Epilepsies, Progressive; Myoclonus epilepsy; Progressive myoclonus epilepsy. Identifiers: Orphanet 308, Orphanet 98261, MedGen C0751778, MONDO:0020074.

Allele frequency attached by ClinVar (database versions not stated): gnomAD exomes below 0.00001; ExAC 0.00001; gnomAD 0.00001; 1000 Genomes Project 30x 0.00016; 1000 Genomes Project 0.00020.
gnomAD v4.1: 3 of 1,613,778 alleles (0.00019%); highest among the groups gnomAD compares: Non-Finnish European, 0.00025%; no homozygotes.

Submission:

Labcorp Genetics (formerly Invitae), Labcorp
Classification: Uncertain significance for Progressive myoclonic epilepsy. Last evaluated: 2022-04-06. Review status: criteria provided, single submitter. Criteria: Invitae Variant Classification Sherloc (09022015). Collection method: clinical testing. Allele origin: germline.
Comment: This sequence change replaces aspartic acid, which is acidic and polar, with valine, which is neutral and non-polar, at codon 122 of the SCARB2 protein (p.Asp122Val). This variant is present in population databases (rs199619067, gnomAD 0.0009%). This variant has not been reported in the literature in individuals affected with SCARB2-related conditions. Algorithms developed to predict the effect of missense changes on protein structure and function are either unavailable or do not agree on the potential impact of this missense change (SIFT: "Deleterious"; PolyPhen-2: "Benign"; Align-GVGD: "Class C25"). In summary, the available evidence is currently insufficient to determine the role of this variant in disease. Therefore, it has been classified as a Variant of Uncertain Significance.